The following is an entry in ClinVar:

ClinVar aggregate classification (germline): Uncertain significance (1 of 4 stars; one submission).

Conditions:
Charcot-Marie-Tooth disease type 2. Also called: Charcot-Marie-Tooth type 2. Identifiers: Orphanet 64746, MedGen C0270914, MONDO:0018993.

gnomAD v4.1: 2 of 1,613,872 alleles (0.00012%); highest among the groups gnomAD compares: Non-Finnish European, 0.00017%; no homozygotes.

Submission:

Labcorp Genetics (formerly Invitae), Labcorp
Classification: Uncertain significance for Charcot-Marie-Tooth disease type 2. Last evaluated: 2024-10-07. Review status: criteria provided, single submitter. Criteria: Invitae Variant Classification Sherloc (09022015). Collection method: clinical testing. Allele origin: germline.
Comment: This sequence change replaces aspartic acid, which is acidic and polar, with alanine, which is neutral and non-polar, at codon 228 of the GARS protein (p.Asp228Ala). This variant is not present in population databases (gnomAD no frequency). This variant has not been reported in the literature in individuals affected with GARS-related conditions. ClinVar contains an entry for this variant (Variation ID: 967649). Invitae Evidence Modeling of protein sequence and biophysical properties (such as structural, functional, and spatial information, amino acid conservation, physicochemical variation, residue mobility, and thermodynamic stability) indicates that this missense variant is not expected to disrupt GARS protein function with a negative predictive value of 80%. In summary, the available evidence is currently insufficient to determine the role of this variant in disease. Therefore, it has been classified as a Variant of Uncertain Significance.

NM_002047.4(GARS1):c.683A>C (p.Asp228Ala)

Gene: GARS1 (glycyl-tRNA synthetase 1; plus strand). Cytogenetic location: 7p14.3.
Variant type: single nucleotide variant.
Coding change: c.683A>C on transcript NM_002047.4 (MANE Select); coding-DNA position 683, A replaced by C.
Protein change: p.Asp228Ala; replaces aspartic acid 228 with alanine.
Molecular consequence: missense variant.
Genome position (GRCh38, 1-based): chr7:30,603,520, A>C. VCF-style: chr7-30603520-A-C. GRCh37 (hg19) VCF-style: chr7-30643136-A-C.
Other names: c.521A>C, p.Asp174Ala (NM_001316772.1); short protein forms D228A, D174A.
Identifiers: ClinVar variation 967649 (VCV000967649.9), dbSNP rs1791422443, ClinGen allele CA367139917.